The following is an entry in ClinVar:

NM_000169.3(GLA):c.865A>G (p.Ile289Val)

Genes: RPL36A-HNRNPH2 (RPL36A-HNRNPH2 readthrough; plus strand), GLA (galactosidase alpha; minus strand). Cytogenetic location: Xq22.1.
Variant type: single nucleotide variant.
Coding change: c.865A>G on transcript NM_000169.3 (MANE Select); coding-DNA position 865, A replaced by G.
Protein change: p.Ile289Val; replaces isoleucine 289 with valine.
Molecular consequence: missense variant. On other transcripts: non-coding transcript variant (3), intron variant (2).
Genome position (GRCh38, 1-based): chrX:101,398,504, T>C on the plus strand (A>G on the coding strand, the complement: GLA is on the minus strand). VCF-style: chrX-101398504-T-C. GRCh37 (hg19) VCF-style: chrX-100653492-T-C.
Other names: NM_000169.2(GLA):c.865A>G(p.Ile289Val); c.865A>G (NM_000169.2); c.988A>G, p.Ile330Val (NM_001406747.1); c.865A>G, p.Ile289Val (NM_001406748.1); c.300+3047T>C (NM_001199973.2); c.177+6682T>C (NM_001199974.2); short protein forms I289V, I330V.
Identifiers: ClinVar variation 217400 (VCV000217400.37), dbSNP rs140329381, ClinGen allele CA032289.

ClinVar aggregate classification (germline): Conflicting classifications of pathogenicity. Review status: criteria provided, conflicting classifications (1 of 4 stars). 14 submissions from 13 submitters: Uncertain significance (5); Benign (1); Likely benign (6). 2 of the submissions do not count toward it. Last evaluated 2026-09-08.

Conditions:
GLA-related disorder. Also called: GLA-related condition.
Cardiovascular phenotype. Identifiers: MedGen CN230736.
Fabry disease. Also called: Fabry's disease; Angiokeratoma corporis diffusum; ALPHA-GALACTOSIDASE A DEFICIENCY; ANDERSON-FABRY DISEASE; CERAMIDE TRIHEXOSIDASE DEFICIENCY; GLA DEFICIENCY. Identifiers: Orphanet 324, MedGen C0002986, MONDO:0010526, OMIM 301500, HP:0001071. Disease mechanism: loss of function, Fabry disease is due to inactivating mutations in the X-linked GLA gene resulting in deficiency of the enzyme Alpha Galactosidase-A..
Migalastat response. Also called: 1-Deoxygalactonojirimycin response; Galafold response. Identifiers: MedGen CN233149.

Allele frequency attached by ClinVar (database versions not stated): gnomAD exomes 0.00003 and 0.00016; TOPMed 0.00007; gnomAD 0.00009; ExAC 0.00015; 1000 Genomes Project 0.00026; 1000 Genomes Project 30x 0.00125.
gnomAD v4.1: 40 of 1,206,911 alleles (0.0033%); highest among the groups gnomAD compares: Admixed American, 0.061%; no homozygotes.

Submissions (14):

Genomenon, Inc
Classification: Likely benign for Fabry disease. Last evaluated: 2026-09-08. Review status: criteria provided, single submitter. Criteria: Genomenon Sequence Variant Interpretation Standards - Updated. Collection method: curation. Allele origin: germline. Affected: no.
Comment: GLA p.Ile289Val (c.865A>G) is a missense variant that changes the amino acid at codon 289 from Isoleucine to Valine. This variant has been reported in the published literature (PMID:27916943;26415523). This variant's allele frequency in gnomAD is greater than expected for this disorder. In conclusion, we classify GLA p.Ile289Val (c.865A>G) as a likely benign variant.

Women's Health and Genetics/Laboratory Corporation of America, LabCorp
Classification: Likely benign. Last evaluated: 2026-04-29. Review status: criteria provided, single submitter. Criteria: LabCorp Variant Classification Summary - May 2015. Collection method: clinical testing. Allele origin: germline.
Comment: Variant summary: GLA c.865A>G (p.Ile289Val) results in a conservative amino acid change in the encoded protein sequence. Algorithms developed to predict the effect of missense changes on protein structure and function are either unavailable or do not agree on the potential impact of this missense change. The variant allele was found at a frequency of 3.3e-05 in 1206911 control chromosomes, predominantly at a frequency of 0.00061 within the Latino subpopulation in the gnomAD database. The observed variant frequency within Latino control individuals in the gnomAD database exceeds the estimated maximal expected allele frequency for disease-causing variants in GLA. c.865A>G has been observed in the presumed heterozygous state in at least 1 female individual(s) affected with clinical features of Fabry disease (Lukas_2016) without strong evidence for causality. These report(s) do not provide unequivocal conclusions about association of the variant with Fabry disease. At least one publication reports experimental evidence evaluating an impact on protein function. The most pronounced variant effect results in >50%-90% of normal activity in vitro (Lukas_2016). The following publication has been ascertained in the context of this evaluation (PMID: 26415523). ClinVar contains an entry for this variant (Variation ID: 217400). Based on the evidence outlined above, the variant was classified as likely benign.

PreventionGenetics, part of Exact Sciences
Classification: Uncertain significance for GLA-related condition. Last evaluated: 2026-04-10. Review status: criteria provided, single submitter. Criteria: ACMG Guidelines, 2015. Collection method: clinical testing. Allele origin: germline.
Comment: The GLA c.865A>G variant is predicted to result in the amino acid substitution p.Ile289Val. In vitro analysis has shown 80% of residual enzyme activity (Table 1, Lukas et al. 2016. PubMed ID: 26415523). Alternative variant at the same codon p.Ile289Phe was reported in patient with classic form of Fabry disease (Topaloglu et al. 1999. PubMed ID: 10666480). In vitro analysis for alternate variants at the same codon p.Ile289Ser and p.Ile289Phe have shown residual enzyme activity below detection level (Table S1, Benjamin et al. 2017. PubMed ID:27657681; Table 1, Wu et al. 2011. PubMed ID: 21598360). This variant is reported in 0.096% of alleles in individuals of Latino descent in gnomAD. In Clinvar interpretation of this variant ranges from benign to uncertain. Although we suspect that this variant may be benign, at this time, the clinical significance of this variant is uncertain due to the absence of conclusive functional and genetic evidence.

Labcorp Genetics (formerly Invitae), Labcorp
Classification: Likely benign for Fabry disease. Last evaluated: 2025-11-22. Review status: criteria provided, single submitter. Criteria: Invitae Variant Classification Sherloc (09022015). Collection method: clinical testing. Allele origin: germline.

Color Diagnostics, LLC DBA Color Health
Classification: Uncertain significance for Fabry disease. Last evaluated: 2024-02-01. Review status: criteria provided, single submitter. Criteria: ACMG Guidelines, 2015. Collection method: clinical testing. Allele origin: germline.
Comment: This missense variant replaces isoleucine with valine at codon 289 of the GLA protein. Computational prediction tools indicate that this variant's impact on protein structure and function is inconclusive. One functional study study has shown this variant has little impact on GLA enzyme activity (PMID: 26415523). The same study has also shown normal lysoglobotriaosylceramide levels in a few female individuals who underwent biochemical analysis or genetic testing for Fabry Disease (PMID: 26415523). This variant has been identified in 33/205394 chromosomes in the general population by the Genome Aggregation Database (gnomAD). The relatively high frequency of this variant in the general population suggests that this variant is unlikely to be disease-causing. However, additional studies are necessary to determine the role of this variant in disease conclusively. Therefore, this variant is classified as a Variant of Uncertain Significance.

Genome-Nilou Lab
Classification: Likely benign for Fabry disease. Last evaluated: 2021-07-15. Review status: criteria provided, single submitter. Criteria: ACMG Guidelines, 2015. Collection method: clinical testing. Allele origin: germline. Affected: no.

Ambry Genetics
Classification: Likely benign for Cardiovascular phenotype. Last evaluated: 2020-03-29. Review status: criteria provided, single submitter. Criteria: Ambry Variant Classification Scheme 2023. Collection method: clinical testing. Allele origin: germline.

Broad Center for Mendelian Genomics, Broad Institute of MIT and Harvard
Classification: Uncertain significance for Fabry disease. Last evaluated: 2020-01-22. Review status: criteria provided, single submitter. Criteria: ACMG Guidelines, 2015. Collection method: curation. Allele origin: germline. Inheritance: X-linked inheritance.
Comment: The p.Ile289Val variant in GLA has been reported in 4 female individuals with unknown Fabry disease phenotype (PMID: 26415523), and has been identified in 0.096% (27/28054) of Latino chromosomes, including 9 hemizygotes, and 0.032% (6/19042) of African chromosomes, including 2 hemizygotes, by the Genome Aggregation Database (gnomAD; dbSNP rs140329381). Please note that for diseases with clinical variability, or reduced penetrance, pathogenic variants may be present at a low frequency in the general population. This variant has also been reported in ClinVar as a VUS by GeneDx, the Laboratory for Molecular Medicine, and the Albrecht-Kossel-Institute, and as likely benign and benign by Invitae and the Swiss Institute of Bioinformatics, respectively (ID: 217400). In vitro functional studies provide some evidence that the p.Ile289Val variant may not impact protein function (PMID: 26415523). However, these types of assays may not accurately represent biological function. Computational prediction tools and conservation analyses do not provide strong support for or against an impact to the protein. One additional pathogenic variant, causing a different amino acid change at the same position, p.Ile289Phe, has been reported in association with Fabry disease in the literature and ClinVar, slightly supporting that a change at this position may not be tolerated (PMID: 21598360, 10666480/Variation ID: 92568). In summary, while the clinical significance of the p.Ile289Val variant is uncertain, these data suggest that it is more likely to be benign. ACMG/AMP Criteria applied: BS1, PM5_supporting, BS3_supporting (Richards 2015).

X-linked inheritance (primarily recessive with milder female expression)

Mayo Clinic Laboratories, Mayo Clinic
Classification: Uncertain significance. Last evaluated: 2019-09-25. Review status: criteria provided, single submitter. Criteria: ACMG Guidelines, 2015. Collection method: clinical testing. Allele origin: germline. Observed: 1 variant allele.

GeneDx
Classification: Likely benign. Last evaluated: 2018-11-14. Review status: criteria provided, single submitter. Criteria: GeneDx Variant Classification Process June 2021. Collection method: clinical testing. Allele origin: germline. Affected: yes.
Comment: This variant is associated with the following publications: (PMID: 26415523, 27916943)

SIB Swiss Institute of Bioinformatics
Classification: Benign for Fabry disease. Last evaluated: 2018-05-31. Review status: criteria provided, single submitter. Criteria: ACMG Guidelines, 2015. Collection method: curation. Allele origin: unknown.
Comment: This variant is interpreted as a Benign, for Fabry disease, in X-linked Recessive manner. The following ACMG Tag(s) were applied: BS1 => Allele frequency is greater than expected for disorder. BS3 => Well-established in vitro or in vivo functional studies show no damaging effect on protein function or splicing (PMID:26415523).

Laboratory for Molecular Medicine, Mass General Brigham Personalized Medicine
Classification: Uncertain significance. Last evaluated: 2017-01-24. Review status: criteria provided, single submitter. Criteria: LMM Criteria. Collection method: clinical testing. Allele origin: germline.
Comment: Variant identified in a genome or exome case(s) and assessed due to predicted null impact of the variant or pathogenic assertions in the literature or databases. Disclaimer: This variant has not undergone full assessment. It is present in ExAC with a Max MAF of 0.11% in Latino chrs (with 2 hemizygotes). It is classified in ClinVar with 1 star as VUS by GeneDx and Albrecht-Kossel-Institute,Medical University Rostock.

Albrecht-Kossel-Institute, Medical University Rostock
Classification: Uncertain significance for Fabry's disease. Last evaluated: 2014-01-01. Review status: no assertion criteria provided. Collection method: research. Allele origin: inherited. Not counted in ClinVar's aggregate classification.

Albrecht-Kossel-Institute, Medical University Rostock
Classification: drug response for deoxygalactonojirimycin response. Last evaluated: 2014-01-01. Review status: no assertion criteria provided. Collection method: research. Allele origin: inherited. Not counted in ClinVar's aggregate classification.

Literature cited by the submitters: PubMed 27916943 (cited by Genomenon, Inc); PubMed 26415523 (cited by 6 submitters).